The following is an entry in ClinVar:

ClinVar aggregate classification (germline): Likely benign (1 of 4 stars; one submission).

Allele frequency attached by ClinVar (database versions not stated): ExAC 0.00065; gnomAD 0.00192; ESP Exome Variant Server 0.00215; TOPMed 0.00247; 1000 Genomes Project 0.00359; 1000 Genomes Project 30x 0.00375.
gnomAD v4.1: 571 of 1,614,188 alleles (0.035%); highest among the groups gnomAD compares: African/African-American, 0.63%; 4 homozygotes.

Submission:

CeGaT Center for Human Genetics Tuebingen
Classification: Likely benign. Last evaluated: 2022-07-01. Review status: criteria provided, single submitter. Criteria: CeGaT Center For Human Genetics Tuebingen Variant Classification Criteria Version 2. Collection method: clinical testing. Allele origin: germline. Affected: yes. Observed: 1 variant allele.
Comment: CFAP119: BP4

NM_001014979.3(CFAP119):c.778G>C (p.Glu260Gln)

Genes: CFAP119 (cilia and flagella associated protein 119; minus strand), PHKG2 (phosphorylase kinase catalytic subunit gamma 2; plus strand). Cytogenetic location: 16p11.2.
Variant type: single nucleotide variant.
Coding change: c.778G>C on transcript NM_001014979.3 (MANE Select); coding-DNA position 778, G replaced by C.
Protein change: p.Glu260Gln; replaces glutamic acid 260 with glutamine.
Molecular consequence: missense variant. On other transcripts: 3 prime UTR variant (1), intron variant (1).
Genome position (GRCh38, 1-based): chr16:30,759,051, C>G on the plus strand (G>C on the coding strand, the complement: CFAP119 is on the minus strand). VCF-style: chr16-30759051-C-G. GRCh37 (hg19) VCF-style: chr16-30770372-C-G.
Other names: c.*1954C>G (NM_000294.3); c.1084-1068C>G (NM_001172432.2); short protein forms E260Q.
Identifiers: ClinVar variation 2646416 (VCV002646416.24), dbSNP rs61746942, ClinGen allele CA8013523.